The following is an entry in ClinVar:

NM_000138.5(FBN1):c.3290G>A (p.Cys1097Tyr)

Gene: FBN1 (fibrillin 1; minus strand). Cytogenetic location: 15q21.1.
Variant type: single nucleotide variant.
Coding change: c.3290G>A on transcript NM_000138.5 (MANE Select); coding-DNA position 3290, G replaced by A.
Protein change: p.Cys1097Tyr; replaces cysteine 1097 with tyrosine.
Molecular consequence: missense variant.
Genome position (GRCh38, 1-based): chr15:48,488,160, C>T on the plus strand (G>A on the coding strand, the complement: FBN1 is on the minus strand). VCF-style: chr15-48488160-C-T. GRCh37 (hg19) VCF-style: chr15-48780357-C-T.
Other names: NM_000138.5(FBN1):c.3290G>A; p.Cys1097Tyr; short protein forms C1097Y.
Identifiers: ClinVar variation 549150 (VCV000549150.32), dbSNP rs1555398627, ClinGen allele CA392327231.
Genomic context (GRCh38, chr15:48,488,160, plus strand): 5'-ATCCCAAACTTACCCATGCAGTTCTTCATCATCATGAATCCACTTTCATAGCCTTCGTCA[C>T]ACTTGCATTCAAAGTCCCCAGGGGTGTTCACACACTGGCCTCTGCCACAGAGGTCAGGAG-3'
Protein context (NP_000129.3, residues 1087-1107): VNTPGDFECK[Cys1097Tyr]DEGYESGFMM

ClinVar aggregate classification (germline): Pathogenic. Review status: reviewed by expert panel (3 of 4 stars). 5 submissions from 5 submitters: Pathogenic (1). 4 of the submissions do not count toward it. Last evaluated 2023-12-29.

Conditions:
Familial thoracic aortic aneurysm and aortic dissection (TAAD). Also called: Thoracic aortic aneurysms and dissections. Identifiers: Orphanet 91387, MedGen C4707243, MONDO:0019625.
Marfan syndrome (MFS). Also called: Marfan syndrome type 1; Marfan syndrome, classic; Marfan's syndrome; FBN1-Related Marfan Syndrome; MARFAN SYNDROME, TYPE I. Identifiers: Orphanet 284963, Orphanet 558, MedGen C0024796, MONDO:0007947, OMIM 154700.

Submissions (5):

ClinGen FBN1 Variant Curation Expert Panel, ClinGen
Classification: Pathogenic for Marfan syndrome. Last evaluated: 2023-12-29. Review status: reviewed by expert panel. Criteria: Assertion Criteria VCEP FBN1 Version 1. Collection method: curation. Allele origin: germline. Inheritance: Autosomal dominant inheritance.
Comment: The NM_00138 c.3290G>A, is a missense variant in FBN1 predicted to cause a substitution of a cysteine by tyrosine at amino acid 1097 (p.Cys1097Tyr). This variant has been reported four times in ClinVar: once as pathogenic, twice as likely pathogenic, and once as uncertain significance (Variation ID: 549150). This variant has been reported in the literature in individuals with clinical diagnosis of Marfan syndrome and/or features of Marfan syndrome (PMID 37684520, 29357934, Invitae ClinVar entry, internal data; PS4_Mod), and was observed de novo without parental confirmation in one individual with a highly specific phenotype (PMID 37684520; PM6). This variant is not present in gnomAD (PM2_sup; v2.1.1). This variant affects a cysteine residue in a calcium binding EGF domain. Cysteine residues are believed to be involved in the formation of disulfide bridges which are essential for the protein structure (PM1_strong). Computational prediction tools and conservation analysis suggest that this variant may impact the protein (REVEL: 0.979, PP3). The constraint z-score for missense variants affecting FBN1 is 5.06 (PP2). In summary, this variant meets criteria to be classified as pathogenic for Marfan syndrome based on the ACMG/AMP criteria applied, as specified by the ClinGen FBN1 VCEP: PM1_Strong, PS4_moderate, PM6, PM2_Sup, PP2, PP3, PP4.

Labcorp Genetics (formerly Invitae), Labcorp
Classification: Pathogenic for Marfan syndrome; Familial thoracic aortic aneurysm and aortic dissection. Last evaluated: 2022-12-06. Review status: criteria provided, single submitter. Criteria: Invitae Variant Classification Sherloc (09022015). Collection method: clinical testing. Allele origin: germline. Not counted in ClinVar's aggregate classification.
Comment: This sequence change replaces cysteine, which is neutral and slightly polar, with tyrosine, which is neutral and polar, at codon 1097 of the FBN1 protein (p.Cys1097Tyr). This variant is not present in population databases (gnomAD no frequency). This missense change has been observed in individuals with clinical features of Marfan syndrome (PMID: 29357934; Invitae). ClinVar contains an entry for this variant (Variation ID: 549150). Advanced modeling of protein sequence and biophysical properties (such as structural, functional, and spatial information, amino acid conservation, physicochemical variation, residue mobility, and thermodynamic stability) performed at Invitae indicates that this missense variant is expected to disrupt FBN1 protein function. This variant affects a cysteine residue in the EGF-like, TGFBP or hybrid motif domains of FBN1. Cysteine residues are believed to be involved in intramolecular disulfide bridges and have been shown to be important for FBN1 protein structure (PMID: 16905551, 19349279). In addition, missense substitutions affecting cysteine residues within these domains are significantly overrepresented among patients with Marfan syndrome (PMID: 16571647, 17701892). For these reasons, this variant has been classified as Pathogenic.

Revvity Omics, Revvity
Classification: Uncertain significance. Last evaluated: 2019-12-24. Review status: criteria provided, single submitter. Criteria: ACMG Guidelines, 2015. Collection method: clinical testing. Allele origin: germline. Not counted in ClinVar's aggregate classification.

deCODE genetics, Amgen
Classification: Likely pathogenic for Marfan syndrome. Last evaluated: 2023-04-10. Review status: no assertion criteria provided. Collection method: case-control. Allele origin: germline. Affected: yes. Observed: 1 variant allele. Not counted in ClinVar's aggregate classification.
Comment: Applied ACMG criteria: PS2, PM1, PM2, PP2, PP4

Center for Medical Genetics Ghent, University of Ghent
Classification: Likely pathogenic for Marfan syndrome. Last evaluated: 2017-11-07. Review status: no assertion criteria provided. Collection method: clinical testing. Allele origin: germline. Affected: yes. Not counted in ClinVar's aggregate classification.

Literature cited by the submitters: PubMed 29357934 (cited by Labcorp Genetics (formerly Invitae), Labcorp); PubMed 16905551 (cited by Labcorp Genetics (formerly Invitae), Labcorp); PubMed 19349279 (cited by Labcorp Genetics (formerly Invitae), Labcorp); PubMed 16571647 (cited by Labcorp Genetics (formerly Invitae), Labcorp); PubMed 17701892 (cited by Labcorp Genetics (formerly Invitae), Labcorp); PubMed 37684520 (cited by deCODE genetics, Amgen).